The following is an entry in ClinVar:

ClinVar aggregate classification (germline): Uncertain significance (1 of 4 stars; one submission).

Conditions:
Carney complex, type 1 (CNC1). Also called: CARNEY COMPLEX, TYPE I; CARNEY MYXOMA-ENDOCRINE COMPLEX. Identifiers: Orphanet 1359, MedGen C2607929, MONDO:0008057, OMIM 160980.

Submission:

Labcorp Genetics (formerly Invitae), Labcorp
Classification: Uncertain significance for Carney complex, type 1. Last evaluated: 2018-05-07. Review status: criteria provided, single submitter. Criteria: Invitae Variant Classification Sherloc (09022015). Collection method: clinical testing. Allele origin: germline.
Comment: In summary, the available evidence is currently insufficient to determine the role of this variant in disease. Therefore, it has been classified as a Variant of Uncertain Significance. Algorithms developed to predict the effect of missense changes on protein structure and function do not agree on the potential impact of this missense change (SIFT: "Deleterious"; PolyPhen-2: "Benign"; Align-GVGD: "Class C0"). This variant has not been reported in the literature in individuals with PRKAR1A-related disease. This variant is not present in population databases (ExAC no frequency). This sequence change replaces alanine with valine at codon 99 of the PRKAR1A protein (p.Ala99Val). The alanine residue is moderately conserved and there is a small physicochemical difference between alanine and valine.

NM_002734.5(PRKAR1A):c.296C>T (p.Ala99Val)

Gene: PRKAR1A (protein kinase cAMP-dependent type I regulatory subunit alpha; plus strand). Cytogenetic location: 17q24.2.
Variant type: single nucleotide variant.
Coding change: c.296C>T on transcript NM_002734.5 (MANE Select); coding-DNA position 296, C replaced by T.
Protein change: p.Ala99Val; replaces alanine 99 with valine.
Molecular consequence: missense variant.
Genome position (GRCh38, 1-based): chr17:68,522,874, C>T. VCF-style: chr17-68522874-C-T. GRCh37 (hg19) VCF-style: chr17-66519015-C-T.
Other names: c.296C>T, p.Ala99Val (NM_001276289.2, NM_001276290.1, NM_001278433.2 and 4 more transcripts); short protein forms A99V.
Identifiers: ClinVar variation 570932 (VCV000570932.8), dbSNP rs1568695224, ClinGen allele CA400752409.